The following is an entry in ClinVar:

ClinVar aggregate classification (germline): Uncertain significance (1 of 4 stars; one submission).

Conditions:
X-linked immunodeficiency with magnesium defect, Epstein-Barr virus infection and neoplasia. Identifiers: Orphanet 317476, MedGen C3275445, MONDO:0010455, OMIM 300853.

Allele frequency attached by ClinVar (database versions not stated): ExAC 0.00001; gnomAD 0.00001; gnomAD exomes 0.00001 and 0.00002; TOPMed 0.00001; ESP Exome Variant Server 0.00009.
gnomAD v4.1: 8 of 1,206,871 alleles (0.00066%); highest among the groups gnomAD compares: Non-Finnish European, 0.0009%; no homozygotes.

Submission:

Labcorp Genetics (formerly Invitae), Labcorp
Classification: Uncertain significance for X-linked immunodeficiency with magnesium defect, Epstein-Barr virus infection and neoplasia. Last evaluated: 2025-04-11. Review status: criteria provided, single submitter. Criteria: Invitae Variant Classification Sherloc (09022015). Collection method: clinical testing. Allele origin: germline.
Comment: This sequence change replaces isoleucine, which is neutral and non-polar, with valine, which is neutral and non-polar, at codon 86 of the MAGT1 protein (p.Ile86Val). This variant is present in population databases (rs369665000, gnomAD 0.002%), including at least one homozygous and/or hemizygous individual. This variant has not been reported in the literature in individuals affected with MAGT1-related conditions. ClinVar contains an entry for this variant (Variation ID: 959972). Invitae Evidence Modeling of protein sequence and biophysical properties (such as structural, functional, and spatial information, amino acid conservation, physicochemical variation, residue mobility, and thermodynamic stability) indicates that this missense variant is not expected to disrupt MAGT1 protein function with a negative predictive value of 80%. In summary, the available evidence is currently insufficient to determine the role of this variant in disease. Therefore, it has been classified as a Variant of Uncertain Significance.

NM_001367916.1(MAGT1):c.160A>G (p.Ile54Val)

Gene: MAGT1 (magnesium transporter 1; minus strand). Cytogenetic location: Xq21.1.
Variant type: single nucleotide variant.
Coding change: c.160A>G on transcript NM_001367916.1 (MANE Select); coding-DNA position 160, A replaced by G.
Protein change: p.Ile54Val; replaces isoleucine 54 with valine.
Molecular consequence: missense variant.
Genome position (GRCh38, 1-based): chrX:77,875,540, T>C on the plus strand (A>G on the coding strand, the complement: MAGT1 is on the minus strand). VCF-style: chrX-77875540-T-C. GRCh37 (hg19) VCF-style: chrX-77131037-T-C.
Other names: c.256A>G, p.Ile86Val (NM_032121.5); short protein forms I54V, I86V.
Identifiers: ClinVar variation 959972 (VCV000959972.10), dbSNP rs369665000, ClinGen allele CA10458584.